The following is an entry in ClinVar:

NM_014003.4(DHX38):c.1123G>A (p.Glu375Lys)

Gene: DHX38 (DEAH-box helicase 38; plus strand). Cytogenetic location: 16q22.2.
Variant type: single nucleotide variant.
Coding change: c.1123G>A on transcript NM_014003.4 (MANE Select); coding-DNA position 1123, G replaced by A.
Protein change: p.Glu375Lys; replaces glutamic acid 375 with lysine.
Molecular consequence: missense variant.
Genome position (GRCh38, 1-based): chr16:72,100,442, G>A. VCF-style: chr16-72100442-G-A. GRCh37 (hg19) VCF-style: chr16-72134341-G-A.
Other names: short protein forms E375K.
Identifiers: ClinVar variation 1497629 (VCV001497629.8), dbSNP rs773991276, ClinGen allele CA8160225.

ClinVar aggregate classification (germline): Uncertain significance (1 of 4 stars; one submission).

Allele frequency attached by ClinVar (database versions not stated): gnomAD exomes 0.00001 and 0.00002; ExAC 0.00003.
gnomAD v4.1: 7 of 1,613,920 alleles (0.00043%); highest among the groups gnomAD compares: East Asian, 0.0067%; no homozygotes.

Submission:

Labcorp Genetics (formerly Invitae), Labcorp
Classification: Uncertain significance. Last evaluated: 2021-06-09. Review status: criteria provided, single submitter. Criteria: Invitae Variant Classification Sherloc (09022015). Collection method: clinical testing. Allele origin: germline.
Comment: This sequence change replaces glutamic acid with lysine at codon 375 of the DHX38 protein (p.Glu375Lys). The glutamic acid residue is highly conserved and there is a small physicochemical difference between glutamic acid and lysine. In summary, the available evidence is currently insufficient to determine the role of this variant in disease. Therefore, it has been classified as a Variant of Uncertain Significance. Algorithms developed to predict the effect of missense changes on protein structure and function are either unavailable or do not agree on the potential impact of this missense change (SIFT: "Deleterious"; PolyPhen-2: "Benign"; Align-GVGD: "Class C55"). This variant has not been reported in the literature in individuals with DHX38-related conditions. This variant is present in population databases (rs773991276, ExAC 0.04%).